The following is an entry in ClinVar:

NM_020207.7(ERCC6L2):c.1150G>A (p.Glu384Lys)

Gene: ERCC6L2 (ERCC excision repair 6 like 2; plus strand). Cytogenetic location: 9q22.32.
Variant type: single nucleotide variant.
Coding change: c.1150G>A on transcript NM_020207.7 (MANE Select); coding-DNA position 1150, G replaced by A.
Protein change: p.Glu384Lys; replaces glutamic acid 384 with lysine.
Molecular consequence: missense variant. On other transcripts: non-coding transcript variant (1).
Genome position (GRCh38, 1-based): chr9:95,916,426, G>A. VCF-style: chr9-95916426-G-A. GRCh37 (hg19) VCF-style: chr9-98678708-G-A.
Other names: c.1150G>A, p.Glu384Lys (NM_001010895.4, NM_001375291.1, NM_001375292.1 and 2 more transcripts); short protein forms E384K.
Identifiers: ClinVar variation 4870591 (VCV004870591.1).

ClinVar aggregate classification (germline): Uncertain significance (1 of 4 stars; one submission).

Conditions:
Inborn genetic diseases. Identifiers: MedGen C0950123, MeSH D030342.

Submission:

Ambry Genetics
Classification: Uncertain significance for Inborn genetic diseases. Last evaluated: 2026-04-19. Review status: criteria provided, single submitter. Criteria: Ambry Variant Classification Scheme 2023. Collection method: clinical testing. Allele origin: germline.
Comment: The p.E384K variant (also known as c.1150G>A), located in coding exon 6 of the ERCC6L2 gene, results from a G to A substitution at nucleotide position 1150. The glutamic acid at codon 384 is replaced by lysine, an amino acid with similar properties. This amino acid position is conserved. In addition, this alteration is predicted to be deleterious by in silico analysis. Based on the available evidence, the clinical significance of this variant remains unclear.